The following is an entry in ClinVar:

NM_020937.4(FANCM):c.397C>T (p.Pro133Ser)

Gene: FANCM (FA complementation group M; plus strand). Cytogenetic location: 14q21.2.
Variant type: single nucleotide variant.
Coding change: c.397C>T on transcript NM_020937.4 (MANE Select); coding-DNA position 397, C replaced by T.
Protein change: p.Pro133Ser; replaces proline 133 with serine.
Molecular consequence: missense variant.
Genome position (GRCh38, 1-based): chr14:45,136,428, C>T. VCF-style: chr14-45136428-C-T. GRCh37 (hg19) VCF-style: chr14-45605631-C-T.
Other names: c.397C>T, p.Pro133Ser (NM_001308133.2, NM_001308134.2); short protein forms P133S.
Identifiers: ClinVar variation 4022686 (VCV004022686.1).

ClinVar aggregate classification (germline): Uncertain significance (1 of 4 stars; one submission).

Conditions:
Inborn genetic diseases. Identifiers: MedGen C0950123, MeSH D030342.

gnomAD v4.1: 2 of 1,614,178 alleles (0.00012%); highest among the groups gnomAD compares: Non-Finnish European, 0.00017%; no homozygotes.

Submission:

Ambry Genetics
Classification: Uncertain significance for Inborn genetic diseases. Last evaluated: 2025-04-12. Review status: criteria provided, single submitter. Criteria: Ambry Variant Classification Scheme 2023. Collection method: clinical testing. Allele origin: germline.
Comment: The p.P133S variant (also known as c.397C>T), located in coding exon 1 of the FANCM gene, results from a C to T substitution at nucleotide position 397. The proline at codon 133 is replaced by serine, an amino acid with similar properties. This amino acid position is conserved. In addition, the in silico prediction for this alteration is inconclusive. Based on the available evidence, the clinical significance of this variant remains unclear.